The following is an entry in ClinVar:

ClinVar aggregate classification (germline): Uncertain significance (1 of 4 stars; one submission).

Conditions:
Atrial fibrillation, familial, 7 (ATFB7). Identifiers: MedGen C2677106, MONDO:0012828, OMIM 612240.

Allele frequency attached by ClinVar (database versions not stated): ExAC 0.00002; gnomAD exomes 0.00002 and 0.00008; gnomAD 0.00003 and 0.00004; TOPMed 0.00004.
gnomAD v4.1: 115 of 1,613,946 alleles (0.0071%); highest among the groups gnomAD compares: Non-Finnish European, 0.0094%; no homozygotes.

Submission:

Labcorp Genetics (formerly Invitae), Labcorp
Classification: Uncertain significance for Atrial fibrillation, familial, 7. Last evaluated: 2025-07-20. Review status: criteria provided, single submitter. Criteria: Invitae Variant Classification Sherloc (09022015). Collection method: clinical testing. Allele origin: germline.
Comment: This sequence change replaces glutamine, which is neutral and polar, with histidine, which is basic and polar, at codon 235 of the KCNA5 protein (p.Gln235His). This variant is present in population databases (rs773235814, gnomAD 0.004%). This variant has not been reported in the literature in individuals affected with KCNA5-related conditions. ClinVar contains an entry for this variant (Variation ID: 855542). Invitae Evidence Modeling of protein sequence and biophysical properties (such as structural, functional, and spatial information, amino acid conservation, physicochemical variation, residue mobility, and thermodynamic stability) indicates that this missense variant is not expected to disrupt KCNA5 protein function with a negative predictive value of 80%. In summary, the available evidence is currently insufficient to determine the role of this variant in disease. Therefore, it has been classified as a Variant of Uncertain Significance.

NM_002234.4(KCNA5):c.705G>T (p.Gln235His)

Gene: KCNA5 (potassium voltage-gated channel subfamily A member 5; plus strand). Cytogenetic location: 12p13.32.
Variant type: single nucleotide variant.
Coding change: c.705G>T on transcript NM_002234.4 (MANE Select); coding-DNA position 705, G replaced by T.
Protein change: p.Gln235His; replaces glutamine 235 with histidine.
Molecular consequence: missense variant.
Genome position (GRCh38, 1-based): chr12:5,044,852, G>T. VCF-style: chr12-5044852-G-T. GRCh37 (hg19) VCF-style: chr12-5154018-G-T.
Other names: short protein forms Q235H.
Identifiers: ClinVar variation 855542 (VCV000855542.9), dbSNP rs773235814, ClinGen allele CA6399699.
Genomic context (GRCh38, chr12:5,044,852, plus strand): 5'-GGATGAGGGCTTCATTAAAGAAGAGGAGAAGCCCCTGCCCCGCAACGAGTTCCAGCGCCA[G>T]GTGTGGCTTATCTTCGAGTATCCGGAGAGCTCTGGGTCCGCGCGGGCCATCGCCATCGTC-3'
Protein context (NP_002225.2, residues 225-245): KPLPRNEFQR[Gln235His]VWLIFEYPES